The following is an entry in ClinVar:

NM_022047.4(DEF6):c.528C>T (p.Thr176=)

Gene: DEF6 (DEF6 guanine nucleotide exchange factor; plus strand). Cytogenetic location: 6p21.31.
Variant type: single nucleotide variant.
Coding change: c.528C>T on transcript NM_022047.4 (MANE Select); coding-DNA position 528, C replaced by T.
Protein change: p.Thr176=; no amino-acid change (threonine 176 retained).
Molecular consequence: synonymous variant.
Genome position (GRCh38, 1-based): chr6:35,312,406, C>T. VCF-style: chr6-35312406-C-T. GRCh37 (hg19) VCF-style: chr6-35280183-C-T.
Other names: p.Thr176=.
Identifiers: ClinVar variation 711442 (VCV000711442.10), dbSNP rs35395160, ClinGen allele CA3770737.

ClinVar aggregate classification (germline): Benign. Review status: criteria provided, multiple submitters, no conflicts (2 of 4 stars). 2 submissions from 2 submitters: Benign (2). Last evaluated 2026-01-26.

Allele frequency attached by ClinVar (database versions not stated): gnomAD exomes 0.00261; ExAC 0.00320; gnomAD 0.00903 and 0.00974; 1000 Genomes Project 0.00919; 1000 Genomes Project 30x 0.00937; ESP Exome Variant Server 0.01007; TOPMed 0.01014.
gnomAD v4.1: 2,777 of 1,614,106 alleles (0.17%); highest among the groups gnomAD compares: African/African-American, 3.2%; 34 homozygotes.

Submissions (2):

Labcorp Genetics (formerly Invitae), Labcorp
Classification: Benign. Last evaluated: 2026-01-26. Review status: criteria provided, single submitter. Criteria: Invitae Variant Classification Sherloc (09022015). Collection method: clinical testing. Allele origin: germline.

Mayo Clinic Laboratories, Mayo Clinic
Classification: Benign. Last evaluated: 2024-10-15. Review status: criteria provided, single submitter. Criteria: ACMG Guidelines, 2015. Collection method: clinical testing. Allele origin: germline. Observed: 6 variant alleles.
Comment: BS1, BS2, BP4, BP7